The following is an entry in ClinVar:

NM_001256071.3(RNF213):c.126G>A (p.Ala42=)

Gene: RNF213 (ring finger protein 213; plus strand). Cytogenetic location: 17q25.3.
Variant type: single nucleotide variant.
Coding change: c.126G>A on transcript NM_001256071.3 (MANE Select); coding-DNA position 126, G replaced by A.
Protein change: p.Ala42=; no amino-acid change (alanine 42 retained).
Molecular consequence: synonymous variant.
Genome position (GRCh38, 1-based): chr17:80,273,269, G>A. VCF-style: chr17-80273269-G-A. GRCh37 (hg19) VCF-style: chr17-78247068-G-A.
Other names: p.Ala42=; c.126G>A, p.Ala42= (NM_020954.4).
Identifiers: ClinVar variation 731468 (VCV000731468.9), dbSNP rs76374987, ClinGen allele CA8819146.
Genomic context (GRCh38, chr17:80,273,269, plus strand): 5'-AGATCTGACCCTTCCTTCATCTGCCGTTACAGATTCTGAGAACAATAACTCCACAATGGC[G>A]TCGGCCTCGGAGGGTGAAATGGAGTGTGGGCAGGAGCTGAAGGAGGAAGGGGGCCCGTGC-3'
Protein context (NP_001243000.2, residues 32-52): ADSENNNSTM[Ala42=]SASEGEMECG

ClinVar aggregate classification (germline): Benign. Review status: criteria provided, multiple submitters, no conflicts (2 of 4 stars). 3 submissions from 3 submitters: Benign (3). Last evaluated 2025-12-24.

Allele frequency attached by ClinVar (database versions not stated): ExAC 0.00211; 1000 Genomes Project 0.00639; gnomAD 0.00696 and 0.00749; 1000 Genomes Project 30x 0.00718; TOPMed 0.00794; ESP Exome Variant Server 0.00853; gnomAD exomes 0.00175.
gnomAD v4.1: 2,126 of 1,613,596 alleles (0.13%); highest among the groups gnomAD compares: African/African-American, 2.6%; 24 homozygotes.

Submissions (3):

Labcorp Genetics (formerly Invitae), Labcorp
Classification: Benign. Last evaluated: 2025-12-24. Review status: criteria provided, single submitter. Criteria: Invitae Variant Classification Sherloc (09022015). Collection method: clinical testing. Allele origin: germline.

Mayo Clinic Laboratories, Mayo Clinic
Classification: Benign. Last evaluated: 2023-04-27. Review status: criteria provided, single submitter. Criteria: ACMG Guidelines, 2015. Collection method: clinical testing. Allele origin: germline. Observed: 7 variant alleles.
Comment: BS1, BS2, BP4, BP7

Breakthrough Genomics
Classification: Benign. Review status: criteria provided, single submitter. Criteria: ACMG Guidelines, 2015. Collection method: not provided. Allele origin: germline. Inheritance: Autosomal dominant inheritance. Affected: yes.